The following is an entry in ClinVar:

ClinVar aggregate classification (germline): Uncertain significance. Review status: criteria provided, multiple submitters, no conflicts (2 of 4 stars). 2 submissions from 2 submitters: Uncertain significance (2). Last evaluated 2025-10-28.

Conditions:
Cardiovascular phenotype. Identifiers: MedGen CN230736.
Hypertrophic cardiomyopathy 2. Also called: TNNT2-Related Familial Hypertrophic Cardiomyopathy. Identifiers: MedGen C1861864, MONDO:0007266, OMIM 115195.
Cardiomyopathy, familial restrictive, 3. Identifiers: Orphanet 75249, MedGen C2676271, MONDO:0012900, OMIM 612422.
Dilated cardiomyopathy 1D. Identifiers: Orphanet 154, Orphanet 54260, MedGen C1832243, MONDO:0011095, OMIM 601494.

Allele frequency attached by ClinVar (database versions not stated): TOPMed below 0.00001.

Submissions (2):

Labcorp Genetics (formerly Invitae), Labcorp
Classification: Uncertain significance for Cardiomyopathy, familial restrictive, 3; Hypertrophic cardiomyopathy 2; Dilated cardiomyopathy 1D. Last evaluated: 2025-10-28. Review status: criteria provided, single submitter. Criteria: Invitae Variant Classification Sherloc (09022015). Collection method: clinical testing. Allele origin: germline.
Comment: This sequence change replaces lysine, which is basic and polar, with arginine, which is basic and polar, at codon 175 of the TNNT2 protein (p.Lys175Arg). This variant is not present in population databases (gnomAD no frequency). This variant has not been reported in the literature in individuals affected with TNNT2-related conditions. ClinVar contains an entry for this variant (Variation ID: 1746332). Invitae Evidence Modeling of protein sequence and biophysical properties (such as structural, functional, and spatial information, amino acid conservation, physicochemical variation, residue mobility, and thermodynamic stability) indicates that this missense variant is not expected to disrupt TNNT2 protein function with a negative predictive value of 80%. In summary, the available evidence is currently insufficient to determine the role of this variant in disease. Therefore, it has been classified as a Variant of Uncertain Significance.

Ambry Genetics
Classification: Uncertain significance for Cardiovascular phenotype. Last evaluated: 2021-11-24. Review status: criteria provided, single submitter. Criteria: Ambry Variant Classification Scheme 2023. Collection method: clinical testing. Allele origin: germline.
Comment: The p.K175R variant (also known as c.524A>G), located in coding exon 10 of the TNNT2 gene, results from an A to G substitution at nucleotide position 524. The lysine at codon 175 is replaced by arginine, an amino acid with highly similar properties. This amino acid position is conserved. In addition, the in silico prediction for this alteration is inconclusive. Since supporting evidence is limited at this time, the clinical significance of this alteration remains unclear.

NM_001276345.2(TNNT2):c.554A>G (p.Lys185Arg)

Gene: TNNT2 (troponin T2, cardiac type; minus strand). Cytogenetic location: 1q32.1.
Variant type: single nucleotide variant.
Coding change: c.554A>G on transcript NM_001276345.2 (MANE Select); coding-DNA position 554, A replaced by G.
Protein change: p.Lys185Arg; replaces lysine 185 with arginine.
Molecular consequence: missense variant.
Genome position (GRCh38, 1-based): chr1:201,363,342, T>C on the plus strand (A>G on the coding strand, the complement: TNNT2 is on the minus strand). VCF-style: chr1-201363342-T-C. GRCh37 (hg19) VCF-style: chr1-201332470-T-C.
Other names: c.554A>G, p.Lys185Arg (NM_000364.4, NM_001406723.1); c.524A>G, p.Lys175Arg (NM_001001430.3, NM_001001431.3, NM_001276347.2 and 3 more transcripts); c.509A>G, p.Lys170Arg (NM_001001432.3, NM_001406728.1); c.434A>G, p.Lys145Arg (NM_001276346.2); c.521A>G, p.Lys174Arg (NM_001406725.1); short protein forms K185R, K175R, K145R, K170R, K174R.
Identifiers: ClinVar variation 1746332 (VCV001746332.3), dbSNP rs1659055059, ClinGen allele CA077406.